The following is an entry in ClinVar:

NM_012463.4(ATP6V0A2):c.1789A>G (p.Ile597Val)

Genes: ATP6V0A2 (ATPase H+ transporting V0 subunit a2; plus strand), LOC126861666 (CDK7 strongly-dependent group 2 enhancer GRCh37_chr12:124232793-124233992; plus strand). Cytogenetic location: 12q24.31.
Variant type: single nucleotide variant.
Coding change: c.1789A>G on transcript NM_012463.4 (MANE Select); coding-DNA position 1789, A replaced by G.
Protein change: p.Ile597Val; replaces isoleucine 597 with valine.
Molecular consequence: missense variant.
Genome position (GRCh38, 1-based): chr12:123,748,639, A>G. VCF-style: chr12-123748639-A-G. GRCh37 (hg19) VCF-style: chr12-124233186-A-G.
Other names: short protein forms I597V.
Identifiers: ClinVar variation 307591 (VCV000307591.7), dbSNP rs757775762, ClinGen allele CA6862040.

ClinVar aggregate classification (germline): Uncertain significance. Review status: criteria provided, multiple submitters, no conflicts (2 of 4 stars). 2 submissions from 2 submitters: Uncertain significance (2). Last evaluated 2021-01-05.

Conditions:
Inborn genetic diseases. Identifiers: MedGen C0950123, MeSH D030342.
Cutis laxa with osteodystrophy (ARCL2A). Also called: Debré-Type Cutis Laxa; CUTIS LAXA WITH CONGENITAL DISORDER OF GLYCOSYLATION; CUTIS LAXA, AUTOSOMAL RECESSIVE, TYPE IIA; CUTIS LAXA WITH BONE DYSTROPHY; CUTIS LAXA WITH GROWTH AND DEVELOPMENTAL DELAY; CUTIS LAXA WITH JOINT LAXITY AND RETARDED DEVELOPMENT. Identifiers: Orphanet 357058, MedGen C0268355, MONDO:0018163, OMIM 219200. Disease mechanism: loss of function.

Allele frequency attached by ClinVar (database versions not stated): gnomAD exomes 0.00001 and 0.00002; TOPMed 0.00002; ExAC 0.00001; gnomAD 0.00001.
gnomAD v4.1: 23 of 1,613,974 alleles (0.0014%); highest among the groups gnomAD compares: Non-Finnish European, 0.0018%; no homozygotes.

Submissions (2):

Ambry Genetics
Classification: Uncertain significance for Inborn genetic diseases. Last evaluated: 2021-01-05. Review status: criteria provided, single submitter. Criteria: Ambry Variant Classification Scheme 2023. Collection method: clinical testing. Allele origin: germline.
Comment: The c.1789A>G (p.I597V) alteration is located in exon 15 (coding exon 15) of the ATP6V0A2 gene. This alteration results from a A to G substitution at nucleotide position 1789, causing the isoleucine (I) at amino acid position 597 to be replaced by a valine (V). The p.I597V alteration is predicted to be tolerated by in silico analysis. Based on insufficient or conflicting evidence, the clinical significance of this alteration remains unclear.

Illumina Laboratory Services, Illumina
Classification: Uncertain significance for Cutis laxa with osteodystrophy. Last evaluated: 2018-01-12. Review status: criteria provided, single submitter. Criteria: ICSL Variant Classification Criteria 13 December 2019. Collection method: clinical testing. Allele origin: germline.